The following is an entry in ClinVar:

ClinVar aggregate classification (germline): Conflicting classifications of pathogenicity. Review status: criteria provided, conflicting classifications (1 of 4 stars). 10 submissions from 10 submitters: Pathogenic (1); Likely pathogenic (4); Uncertain significance (3). 2 of the submissions do not count toward it. Last evaluated 2026-06-05.

Conditions:
Pontoneocerebellar hypoplasia. Also called: Non-syndromic pontocerebellar hypoplasia; Pontocerebellar hypoplasia. Identifiers: Orphanet 98523, MedGen C1261175, MONDO:0020135.
Pontocerebellar hypoplasia type 2B (PCH2B). Identifiers: Orphanet 2524, MedGen C2676466, MONDO:0012890, OMIM 612389.

Allele frequency attached by ClinVar (database versions not stated): gnomAD 0.00001 and 0.00002; TOPMed 0.00006; gnomAD exomes 0.00014; ExAC 0.00016; 1000 Genomes Project 30x 0.00031; 1000 Genomes Project 0.00040.
gnomAD v4.1: 81 of 1,613,986 alleles (0.005%); highest among the groups gnomAD compares: Admixed American, 0.032%; 1 homozygote.

Submissions (10):

Women's Health and Genetics/Laboratory Corporation of America, LabCorp
Classification: Likely pathogenic for Pontoneocerebellar hypoplasia. Last evaluated: 2026-06-05. Review status: criteria provided, single submitter. Criteria: LabCorp Variant Classification Summary - May 2015. Collection method: clinical testing. Allele origin: germline.
Comment: Variant summary: TSEN2 c.926A>G (p.Tyr309Cys) results in a non-conservative amino acid change located in the tRNA intron endonuclease, N-terminal domain (IPR006678) of the encoded protein sequence. Algorithms developed to predict the effect of missense changes on protein structure and function all suggest that this variant is likely to be disruptive. The variant allele was found at a frequency of 0.00014 in 251398 control chromosomes in the gnomAD database, including 1 homozygote. This frequency is not significantly higher than estimated for a pathogenic variant in TSEN2 causing Pontocerebellar Hypoplasia, Type 2B (0.00014 vs 0.0011), allowing no conclusion about variant significance. Moreover, the single homozygote observed in gnomAD database has been reported as not a true homozygote due to one read supporting a reference base (Tarailo-Graovac_2017). c.926A>G has been observed as a homozygous and compound heterozygous genotype in individuals affected with Pontocerebellar Hypoplasia, Type 2B (Budde_2008, Namavar_2011, Hayashi_2025). To our knowledge, no experimental evidence demonstrating an impact on protein function has been reported. The following publications have been ascertained in the context of this evaluation (PMID: 19459882, 18711368, 40858833, 20952379). ClinVar contains an entry for this variant (Variation ID: 2125). Based on the evidence outlined above, the variant was classified as likely pathogenic.

GeneDx
Classification: Likely pathogenic. Last evaluated: 2026-05-22. Review status: criteria provided, single submitter. Criteria: GeneDx Variant Classification Process June 2021. Collection method: clinical testing. Allele origin: germline.
Comment: Observed with a second TSEN2 variant in patients with pontocerebellar hypoplasia, but it is not known whether the variants occurred on the same (in cis) or on different (in trans) chromosomes in some cases (PMID: 20952379, 40858833); Published functional studies suggest Y309C affects thermal stability (PMID: 34584079); In silico analysis supports that this missense variant has a deleterious effect on protein structure/function; This variant is associated with the following publications: (PMID: 34584079, 38347586, 18711368, 20952379, 40858833)

3billion
Classification: Likely pathogenic for Pontocerebellar hypoplasia type 2B. Last evaluated: 2025-10-28. Review status: criteria provided, single submitter. Criteria: ACMG Guidelines, 2015. Collection method: clinical testing. Allele origin: germline. Affected: yes.
Comment: The variant is observed at an extremely low frequency in the gnomAD v4.1.0 dataset (total allele frequency: 0.005%). Predicted Consequence/Location: Missense variant In silico tool predictions suggest damaging effect of the variant on gene or gene product [REVEL: 0.83 (>=0.6, sensitivity 0.68 and specificity 0.92); 3Cnet: 0.93 (> 0.75, sensitivity 0.96 and precision 0.92)]. The same nucleotide change resulting in the same amino acid change has been previously reported to be associated with TSEN2-related disorder (ClinVar ID: VCV000002125 /PMID: 18711368 /3billion dataset). The variant has been reported to be in trans with a pathogenic variant as either compound heterozygous or homozygous in at least one similarly affected unrelated individual (3billion dataset). Therefore, this variant is classified as Likely pathogenic according to the recommendation of ACMG/AMP guideline.

Blueprint Genetics
Classification: Uncertain significance. Last evaluated: 2023-06-13. Review status: criteria provided, single submitter. Criteria: ACMG Guidelines, 2015. Collection method: clinical testing. Allele origin: germline.

Labcorp Genetics (formerly Invitae), Labcorp
Classification: Uncertain significance. Last evaluated: 2022-08-09. Review status: criteria provided, single submitter. Criteria: Invitae Variant Classification Sherloc (09022015). Collection method: clinical testing. Allele origin: germline.
Comment: In summary, the available evidence is currently insufficient to determine the role of this variant in disease. Therefore, it has been classified as a Variant of Uncertain Significance. Algorithms developed to predict the effect of missense changes on protein structure and function are either unavailable or do not agree on the potential impact of this missense change (SIFT: "Deleterious"; PolyPhen-2: "Probably Damaging"; Align-GVGD: "Class C0"). This missense change has been observed in individual(s) with pontocerebellar hypoplasias (PMID: 18711368, 20952379). This variant is present in population databases (rs113994149, gnomAD 0.06%), and has an allele count higher than expected for a pathogenic variant. This sequence change replaces tyrosine, which is neutral and polar, with cysteine, which is neutral and slightly polar, at codon 309 of the TSEN2 protein (p.Tyr309Cys). ClinVar contains an entry for this variant (Variation ID: 2125).

Department of Pathology and Laboratory Medicine, Sinai Health System
Classification: Uncertain significance for Pontocerebellar hypoplasia type 2B. Last evaluated: 2022-07-12. Review status: criteria provided, single submitter. Criteria: ACMG Guidelines, 2015. Collection method: research. Allele origin: germline.

Genomic Research Center, Shahid Beheshti University of Medical Sciences
Classification: Pathogenic for Pontocerebellar hypoplasia type 2B. Last evaluated: 2017-12-18. Review status: criteria provided, single submitter. Criteria: ACMG Guidelines, 2015. Collection method: clinical testing. Allele origin: inherited. Affected: yes.

Baylor Genetics
Classification: Likely pathogenic for Pontocerebellar hypoplasia type 2B. Review status: criteria provided, single submitter. Criteria: ACMG Guidelines, 2015. Collection method: clinical testing. Allele origin: unknown.

OMIM
Classification: Pathogenic for PONTOCEREBELLAR HYPOPLASIA, TYPE 2B. Last evaluated: 2011-01-01. Review status: no assertion criteria provided. Collection method: literature only. Allele origin: germline. Not counted in ClinVar's aggregate classification.

GeneReviews
No classification provided. Condition: Pontocerebellar hypoplasia type 2B. Review status: no classification provided. Collection method: literature only. Allele origin: unknown. Not counted in ClinVar's aggregate classification.

Literature cited by the submitters: PubMed 20952379 (cited by 3 submitters); PubMed 18711368 (cited by 4 submitters); PubMed 19459882 (cited by Women's Health and Genetics/Laboratory Corporation of America, LabCorp); PubMed 40858833 (cited by Women's Health and Genetics/Laboratory Corporation of America, LabCorp); PubMed 20301773 (cited by GeneReviews); NCBI Bookshelf NBK9673 (cited by GeneReviews).

NM_025265.4(TSEN2):c.926A>G (p.Tyr309Cys)

Gene: TSEN2 (tRNA splicing endonuclease subunit 2; plus strand). Cytogenetic location: 3p25.2.
Variant type: single nucleotide variant.
Coding change: c.926A>G on transcript NM_025265.4 (MANE Select); coding-DNA position 926, A replaced by G.
Protein change: p.Tyr309Cys; replaces tyrosine 309 with cysteine.
Molecular consequence: missense variant. On other transcripts: non-coding transcript variant (1).
Genome position (GRCh38, 1-based): chr3:12,516,627, A>G. VCF-style: chr3-12516627-A-G. GRCh37 (hg19) VCF-style: chr3-12558126-A-G.
Other names: c.926A>G, p.Tyr309Cys (NM_001145392.2, NM_001321277.2, NM_001321278.2); c.848A>G, p.Tyr283Cys (NM_001145393.3, NM_001321279.2); c.749A>G, p.Tyr250Cys (NM_001145394.2); short protein forms Y309C, Y250C, Y283C.
Identifiers: ClinVar variation 2125 (VCV000002125.22), dbSNP rs113994149, ClinGen allele CA339951.
Genomic context (GRCh38, chr3:12,516,627, plus strand): 5'-TGAAACTATTTGTAATGAGCATTTTCTGCTTGCTGTATTTTCAGGCCTTTTTCTTGGTCT[A>G]TGCTCTGGGATGTTTAAGTATTTACTATGAGAAGGTAAGATGCTTTGTTTACATACAACC-3'
Protein context (NP_079541.1, residues 299-319): LSLEEAFFLV[Tyr309Cys]ALGCLSIYYE